The following is an entry in ClinVar:

NM_001042492.3(NF1):c.7758A>T (p.Ser2586=)

Gene: NF1 (neurofibromin 1; plus strand). Cytogenetic location: 17q11.2.
Variant type: single nucleotide variant.
Coding change: c.7758A>T on transcript NM_001042492.3 (MANE Select); coding-DNA position 7758, A replaced by T.
Protein change: p.Ser2586=; no amino-acid change (serine 2586 retained).
Molecular consequence: synonymous variant.
Genome position (GRCh38, 1-based): chr17:31,356,979, A>T. VCF-style: chr17-31356979-A-T. GRCh37 (hg19) VCF-style: chr17-29683997-A-T.
Other names: c.7695A>T, p.Ser2565= (NM_000267.4).
Identifiers: ClinVar variation 765226 (VCV000765226.9), dbSNP rs876658564, ClinGen allele CA499239413.

ClinVar aggregate classification (germline): Benign/Likely benign. Review status: criteria provided, multiple submitters, no conflicts (2 of 4 stars). 3 submissions from 3 submitters: Benign (1); Likely benign (2). Last evaluated 2026-05-22.

Conditions:
Neurofibromatosis, type 1 (NF1). Also called: NEUROFIBROMATOSIS, TYPE I, SOMATIC; Peripheral type neurofibromatosis; VON RECKLINGHAUSEN DISEASE; Neurofibromatosis, type I. Identifiers: Orphanet 636, MedGen C0027831, MONDO:0018975, OMIM 162200. Disease mechanism: loss of function.
Cardiovascular phenotype. Identifiers: MedGen CN230736.
Hereditary cancer-predisposing syndrome. Also called: Tumor predisposition; Hereditary Cancer Syndrome; Hereditary neoplastic syndrome; Neoplastic Syndromes, Hereditary. Identifiers: Orphanet 140162, MedGen C0027672, MeSH D009386, MONDO:0015356.

Submissions (3):

Myriad Genetics, Inc.
Classification: Benign for Neurofibromatosis, type 1. Last evaluated: 2026-05-22. Review status: criteria provided, single submitter. Criteria: Myriad Autosomal Dominant, Autosomal Recessive and X-Linked Classification Criteria (2023). Collection method: clinical testing. Allele origin: unknown.
Comment: This variant is considered benign. This variant is a silent/synonymous amino acid change and it is not expected to impact splicing.

Ambry Genetics
Classification: Likely benign for Cardiovascular phenotype; Hereditary cancer-predisposing syndrome. Last evaluated: 2023-10-20. Review status: criteria provided, single submitter. Criteria: Ambry Variant Classification Scheme 2023. Collection method: clinical testing. Allele origin: germline.

Labcorp Genetics (formerly Invitae), Labcorp
Classification: Likely benign for Neurofibromatosis, type 1. Last evaluated: 2023-07-17. Review status: criteria provided, single submitter. Criteria: Invitae Variant Classification Sherloc (09022015). Collection method: clinical testing. Allele origin: germline.